The following is an entry in ClinVar:

NM_016333.4(SRRM2):c.608G>C (p.Ser203Thr)

Gene: SRRM2 (serine/arginine repetitive matrix 2; plus strand). Cytogenetic location: 16p13.3.
Variant type: single nucleotide variant.
Coding change: c.608G>C on transcript NM_016333.4 (MANE Select); coding-DNA position 608, G replaced by C.
Protein change: p.Ser203Thr; replaces serine 203 with threonine.
Molecular consequence: missense variant.
Genome position (GRCh38, 1-based): chr16:2,758,999, G>C. VCF-style: chr16-2758999-G-C. GRCh37 (hg19) VCF-style: chr16-2809000-G-C.
Other names: short protein forms S203T.
Identifiers: ClinVar variation 2580809 (VCV002580809.1), dbSNP rs2505595647, ClinGen allele CA394405097.

ClinVar aggregate classification (germline): Uncertain significance (1 of 4 stars; one submission).

Submission:

GeneDx
Classification: Uncertain significance. Last evaluated: 2023-03-20. Review status: criteria provided, single submitter. Criteria: GeneDx Variant Classification Process June 2021. Collection method: clinical testing. Allele origin: germline. Affected: yes.
Comment: Not observed at significant frequency in large population cohorts (gnomAD); In silico analysis supports that this missense variant does not alter protein structure/function; Has not been previously published as pathogenic or benign to our knowledge